The following is an entry in ClinVar:

ClinVar aggregate classification (germline): Likely pathogenic (1 of 4 stars; one submission).

Conditions:
EZH2-related disorder.

Submission:

PreventionGenetics, part of Exact Sciences
Classification: Likely pathogenic for EZH2-related condition. Last evaluated: 2022-09-13. Review status: criteria provided, single submitter. Criteria: ACMG Guidelines, 2015. Collection method: clinical testing. Allele origin: germline.
Comment: The EZH2 c.835C>T variant is predicted to result in the amino acid substitution p.His279Tyr. This variant has been reported in two individuals with phenotypes consistent with Weaver syndrome; however, in both cases the variant was paternally inherited (Faundes et al 2018. PubMed ID: 29276005; Fitzgerald et al. 2015. PubMed ID: 25533962, Table S4 ID:259150). This variant has not been reported in a large population database, indicating this variant is rare. Taken together, this variant is classified as likely pathogenic.

NM_004456.5(EZH2):c.835C>T (p.His279Tyr)

Gene: EZH2 (enhancer of zeste 2 polycomb repressive complex 2 subunit; minus strand). Cytogenetic location: 7q36.1.
Variant type: single nucleotide variant.
Coding change: c.835C>T on transcript NM_004456.5 (MANE Select); coding-DNA position 835, C replaced by T.
Protein change: p.His279Tyr; replaces histidine 279 with tyrosine.
Molecular consequence: missense variant.
Genome position (GRCh38, 1-based): chr7:148,826,526, G>A on the plus strand (C>T on the coding strand, the complement: EZH2 is on the minus strand). VCF-style: chr7-148826526-G-A. GRCh37 (hg19) VCF-style: chr7-148523618-G-A.
Other names: c.835C>T, p.His279Tyr (NM_001203247.2); c.808C>T, p.His270Tyr (NM_001203248.2, NM_001203249.2); c.718C>T, p.His240Tyr (NM_152998.3); short protein forms H240Y, H270Y, H279Y.
Identifiers: ClinVar variation 2636412 (VCV002636412.1), dbSNP rs2537032583, ClinGen allele CA369719261.